The following is an entry in ClinVar:

ClinVar aggregate classification (germline): Uncertain significance (1 of 4 stars; one submission).

Conditions:
Cardiovascular phenotype. Identifiers: MedGen CN230736.

Submission:

Ambry Genetics
Classification: Uncertain significance for Cardiovascular phenotype. Last evaluated: 2026-07-11. Review status: criteria provided, single submitter. Criteria: Ambry Variant Classification Scheme 2023. Collection method: clinical testing. Allele origin: germline.
Comment: The p.S639R variant (also known as c.1917C>A), located in coding exon 15 of the ENG gene, results from a C to A substitution at nucleotide position 1917. The serine at codon 639 is replaced by arginine, an amino acid with dissimilar properties. This amino acid position is conserved. In addition, the in silico prediction for this alteration is inconclusive. Based on the available evidence, the clinical significance of this variant remains unclear.

NM_001114753.3(ENG):c.1917C>A (p.Ser639Arg)

Gene: ENG (endoglin; minus strand). Cytogenetic location: 9q34.11.
Variant type: single nucleotide variant.
Coding change: c.1917C>A on transcript NM_001114753.3 (MANE Select); coding-DNA position 1917, C replaced by A.
Protein change: p.Ser639Arg; replaces serine 639 with arginine.
Molecular consequence: missense variant. On other transcripts: 3 prime UTR variant (1).
Genome position (GRCh38, 1-based): chr9:127,815,742, G>T on the plus strand (C>A on the coding strand, the complement: ENG is on the minus strand). VCF-style: chr9-127815742-G-T. GRCh37 (hg19) VCF-style: chr9-130578021-G-T.
Other names: c.*175C>A (NM_000118.4); c.1371C>A, p.Ser457Arg (NM_001278138.2); short protein forms S639R, S457R.
Identifiers: ClinVar variation 5035940 (VCV005035940.1).